The following is an entry in ClinVar:

ClinVar aggregate classification (germline): Uncertain significance (1 of 4 stars; one submission).

Allele frequency attached by ClinVar (database versions not stated): gnomAD 0.00001; gnomAD exomes 0.00001; TOPMed 0.00001.
gnomAD v4.1: 8 of 1,613,946 alleles (0.0005%); highest among the groups gnomAD compares: Middle Eastern, 0.033%; no homozygotes.

Submission:

Labcorp Genetics (formerly Invitae), Labcorp
Classification: Uncertain significance. Last evaluated: 2021-01-12. Review status: criteria provided, single submitter. Criteria: Invitae Variant Classification Sherloc (09022015). Collection method: clinical testing. Allele origin: germline.
Comment: In summary, the available evidence is currently insufficient to determine the role of this variant in disease. Therefore, it has been classified as a Variant of Uncertain Significance. Experimental studies and prediction algorithms are not available or were not evaluated, and the functional significance of this variant is currently unknown. This variant has not been reported in the literature in individuals with HTT-related conditions. This variant is not present in population databases (ExAC no frequency). This sequence change replaces aspartic acid with asparagine at codon 1849 of the HTT protein (p.Asp1849Asn). The aspartic acid residue is weakly conserved and there is a small physicochemical difference between aspartic acid and asparagine.

NM_001388492.1(HTT):c.5539G>A (p.Asp1847Asn)

Gene: HTT (huntingtin; plus strand). Cytogenetic location: 4p16.3.
Variant type: single nucleotide variant.
Coding change: c.5539G>A on transcript NM_001388492.1 (MANE Select); coding-DNA position 5539, G replaced by A.
Protein change: p.Asp1847Asn; replaces aspartic acid 1847 with asparagine.
Molecular consequence: missense variant.
Genome position (GRCh38, 1-based): chr4:3,199,902, G>A. VCF-style: chr4-3199902-G-A. GRCh37 (hg19) VCF-style: chr4-3201629-G-A.
Other names: c.5545G>A, p.Asp1849Asn (NM_002111.8); short protein forms D1849N, D1847N.
Identifiers: ClinVar variation 1367836 (VCV001367836.6), dbSNP rs1011904621, ClinGen allele CA91439477.